The following is an entry in ClinVar:

ClinVar aggregate classification (germline): Uncertain significance. Review status: criteria provided, multiple submitters, no conflicts (2 of 4 stars). 2 submissions from 2 submitters: Uncertain significance (2). Last evaluated 2026-06-09.

Conditions:
ERCC2-related disorder. Also called: ERCC2-related disorders; ERCC2-related conditions; ERCC2-related condition. Identifiers: MedGen CN239291.
Inborn genetic diseases. Identifiers: MedGen C0950123, MeSH D030342.

Allele frequency attached by ClinVar (database versions not stated): ExAC 0.00001; gnomAD exomes 0.00001; TOPMed 0.00002; gnomAD 0.00004.

Submissions (2):

Myriad Genetics, Inc.
Classification: Uncertain significance for ERCC2-related disorder. Last evaluated: 2026-06-09. Review status: criteria provided, single submitter. Criteria: Myriad Autosomal Dominant, Autosomal Recessive and X-Linked Classification Criteria (2023). Collection method: clinical testing. Allele origin: unknown.
Comment: NM_000400.3(ERCC2):c.88C>T(R30C) is a missense variant classified as a variant of uncertain significance in the context of ERCC2-related disorders. R30C has not been observed in cases with relevant disease. Relevant functional assessments of this variant are not available in the literature. R30C has been observed in referenced population frequency databases. In summary, there is insufficient evidence to classify NM_000400.3(ERCC2):c.88C>T(R30C) as pathogenic or benign. Please note: this variant was assessed in the context of healthy population screening.

Ambry Genetics
Classification: Uncertain significance for Inborn genetic diseases. Last evaluated: 2023-01-19. Review status: criteria provided, single submitter. Criteria: Ambry Variant Classification Scheme 2023. Collection method: clinical testing. Allele origin: germline.
Comment: The p.R30C variant (also known as c.88C>T), located in coding exon 2 of the ERCC2 gene, results from a C to T substitution at nucleotide position 88. The arginine at codon 30 is replaced by cysteine, an amino acid with highly dissimilar properties. This amino acid position is conserved. In addition, this alteration is predicted to be deleterious by in silico analysis. Since supporting evidence is limited at this time, the clinical significance of this alteration remains unclear.

NM_000400.4(ERCC2):c.88C>T (p.Arg30Cys)

Gene: ERCC2 (ERCC excision repair 2, TFIIH core complex helicase subunit; minus strand). Cytogenetic location: 19q13.32.
Variant type: single nucleotide variant.
Coding change: c.88C>T on transcript NM_000400.4 (MANE Select); coding-DNA position 88, C replaced by T.
Protein change: p.Arg30Cys; replaces arginine 30 with cysteine.
Molecular consequence: missense variant.
Genome position (GRCh38, 1-based): chr19:45,370,150, G>A on the plus strand (C>T on the coding strand, the complement: ERCC2 is on the minus strand). VCF-style: chr19-45370150-G-A. GRCh37 (hg19) VCF-style: chr19-45873408-G-A.
Other names: c.16C>T, p.Arg6Cys (NM_001130867.2); short protein forms R30C, R6C.
Identifiers: ClinVar variation 2479641 (VCV002479641.3), dbSNP rs769614088, ClinGen allele CA9513937.